The following is an entry in ClinVar:

ClinVar aggregate classification (germline): Uncertain significance. Review status: criteria provided, multiple submitters, no conflicts (2 of 4 stars). 2 submissions from 2 submitters: Uncertain significance (2). Last evaluated 2025-06-11.

Conditions:
Inborn genetic diseases. Identifiers: MedGen C0950123, MeSH D030342.

Allele frequency attached by ClinVar (database versions not stated): gnomAD exomes below 0.00001.
gnomAD v4.1: 7 of 1,597,114 alleles (0.00044%); highest among the groups gnomAD compares: Admixed American, 0.0017%; no homozygotes.

Submissions (2):

Ambry Genetics
Classification: Uncertain significance for Inborn genetic diseases. Last evaluated: 2025-06-11. Review status: criteria provided, single submitter. Criteria: Ambry Variant Classification Scheme 2023. Collection method: clinical testing. Allele origin: germline.

Labcorp Genetics (formerly Invitae), Labcorp
Classification: Uncertain significance. Last evaluated: 2025-02-12. Review status: criteria provided, single submitter. Criteria: Invitae Variant Classification Sherloc (09022015). Collection method: clinical testing. Allele origin: germline.
Comment: This sequence change replaces glutamine, which is neutral and polar, with histidine, which is basic and polar, at codon 5006 of the PCLO protein (p.Gln5006His). The frequency data for this variant in the population databases is considered unreliable, as metrics indicate poor data quality at this position in the gnomAD database. This variant has not been reported in the literature in individuals affected with PCLO-related conditions. ClinVar contains an entry for this variant (Variation ID: 1413682). Experimental studies and prediction algorithms are not available or were not evaluated, and the functional significance of this variant is currently unknown. In summary, the available evidence is currently insufficient to determine the role of this variant in disease. Therefore, it has been classified as a Variant of Uncertain Significance.

NM_033026.6(PCLO):c.15018G>T (p.Gln5006His)

Gene: PCLO (piccolo presynaptic cytomatrix protein; minus strand). Cytogenetic location: 7q21.11.
Variant type: single nucleotide variant.
Coding change: c.15018G>T on transcript NM_033026.6 (MANE Select); coding-DNA position 15018, G replaced by T.
Protein change: p.Gln5006His; replaces glutamine 5006 with histidine.
Molecular consequence: missense variant.
Genome position (GRCh38, 1-based): chr7:82,761,483, C>A on the plus strand (G>T on the coding strand, the complement: PCLO is on the minus strand). VCF-style: chr7-82761483-C-A. GRCh37 (hg19) VCF-style: chr7-82390799-C-A.
Other names: c.15018G>T (NM_033026.5); short protein forms Q5006H.
Identifiers: ClinVar variation 1413682 (VCV001413682.8), dbSNP rs1196575058, ClinGen allele CA368020409.